The following is an entry in ClinVar:

ClinVar aggregate classification (germline): Conflicting classifications of pathogenicity. Review status: criteria provided, conflicting classifications (1 of 4 stars). 2 submissions from 2 submitters: Uncertain significance (1); Likely benign (1). Last evaluated 2024-08-15.

Conditions:
Inborn genetic diseases. Identifiers: MedGen C0950123, MeSH D030342.
Coffin-Siris syndrome 1 (CSS1). Also called: Mental retardation, autosomal dominant 12; ARID1B-Related Coffin-Siris Syndrome. Identifiers: Orphanet 1465, MedGen C3281201, MONDO:0007617, OMIM 135900. Disease mechanism: gain of function.

Allele frequency attached by ClinVar (database versions not stated): ExAC 0.00001; gnomAD 0.00001; gnomAD exomes 0.00001; TOPMed 0.00002.
gnomAD v4.1: 25 of 1,614,114 alleles (0.0015%); highest among the groups gnomAD compares: African/African-American, 0.0053%; no homozygotes.

Submissions (2):

Labcorp Genetics (formerly Invitae), Labcorp
Classification: Uncertain significance. Last evaluated: 2024-08-15. Review status: criteria provided, single submitter. Criteria: Invitae Variant Classification Sherloc (09022015). Collection method: clinical testing. Allele origin: germline.
Comment: This sequence change replaces asparagine, which is neutral and polar, with serine, which is neutral and polar, at codon 1950 of the ARID1B protein (p.Asn1950Ser). This variant is present in population databases (rs762587131, gnomAD 0.003%). This variant has not been reported in the literature in individuals affected with ARID1B-related conditions. ClinVar contains an entry for this variant (Variation ID: 2505070). Invitae Evidence Modeling of protein sequence and biophysical properties (such as structural, functional, and spatial information, amino acid conservation, physicochemical variation, residue mobility, and thermodynamic stability) has been performed for this missense variant. However, the output from this modeling did not meet the statistical confidence thresholds required to predict the impact of this variant on ARID1B protein function. In summary, the available evidence is currently insufficient to determine the role of this variant in disease. Therefore, it has been classified as a Variant of Uncertain Significance.

Ambry Genetics
Classification: Likely benign for Inborn genetic diseases. Last evaluated: 2023-12-13. Review status: criteria provided, single submitter. Criteria: Ambry Variant Classification Scheme 2023. Collection method: clinical testing. Allele origin: germline.

NM_001374828.1(ARID1B):c.6218A>G (p.Asn2073Ser)

Gene: ARID1B (AT-rich interaction domain 1B; plus strand). Cytogenetic location: 6q25.3.
Variant type: single nucleotide variant.
Coding change: c.6218A>G on transcript NM_001374828.1 (MANE Select); coding-DNA position 6218, A replaced by G.
Protein change: p.Asn2073Ser; replaces asparagine 2073 with serine.
Molecular consequence: missense variant.
Genome position (GRCh38, 1-based): chr6:157,206,990, A>G. VCF-style: chr6-157206990-A-G. GRCh37 (hg19) VCF-style: chr6-157528124-A-G.
Other names: c.5969A>G, p.Asn1990Ser (NM_001346813.1); c.3719A>G, p.Asn1240Ser (NM_001363725.2); c.6098A>G, p.Asn2033Ser (NM_001371656.1, NM_001374820.1); c.6059A>G, p.Asn2020Ser (NM_017519.3); c.5849A>G, p.Asn1950Ser (NM_020732.3); c.5636A>G, p.Asn1879Ser (NM_175863.2); short protein forms N1240S, N1879S, N1950S, N1990S, N2020S, N2033S, N2073S.
Identifiers: ClinVar variation 2505070 (VCV002505070.5), dbSNP rs762587131, ClinGen allele CA4067972.
Genomic context (GRCh38, chr6:157,206,990, plus strand): 5'-CTCTGTGTACCATCGCGCACTGGCAGGACTCGCTGGCTAAGCGATGCATCTGTGTGTCCA[A>G]TATTGTCCGTAGCTTGTCATTCGTGCCTGGCAATGATGCCGAAATGTCCAAACATCCAGG-3'
Protein context (NP_001361757.1, residues 2063-2083): SLAKRCICVS[Asn2073Ser]IVRSLSFVPG